The following is an entry in ClinVar:

NM_000277.3(PAH):c.514C>T (p.Gln172Ter)

Gene: PAH (phenylalanine hydroxylase; minus strand). Cytogenetic location: 12q23.2.
Variant type: single nucleotide variant.
Coding change: c.514C>T on transcript NM_000277.3 (MANE Select); coding-DNA position 514, C replaced by T.
Protein change: p.Gln172Ter; replaces glutamine 172 with a stop codon.
Molecular consequence: nonsense.
Genome position (GRCh38, 1-based): chr12:102,855,328, G>A on the plus strand (C>T on the coding strand, the complement: PAH is on the minus strand). VCF-style: chr12-102855328-G-A. GRCh37 (hg19) VCF-style: chr12-103249106-G-A.
Other names: NM_000277.3(PAH):c.514C>T; p.Gln172Ter; c.514C>T, p.Gln172Ter (NM_001354304.2); short protein forms Q172*.
Identifiers: ClinVar variation 102718 (VCV000102718.11), dbSNP rs199475588, ClinGen allele CA229600.

ClinVar aggregate classification (germline): Pathogenic. Review status: reviewed by expert panel (3 of 4 stars). 4 submissions from 4 submitters: Pathogenic (1). 3 of the submissions do not count toward it. Last evaluated 2022-10-14.

Conditions:
Phenylketonuria (PKU). Also called: Phenylketonuria (PKU); FOLLING DISEASE; OLIGOPHRENIA PHENYLPYRUVICA; Phenylketonurias. Identifiers: Orphanet 716, MedGen C0031485, MONDO:0009861, OMIM 261600. Disease mechanism: loss of function.

Allele frequency attached by ClinVar (database versions not stated): gnomAD exomes below 0.00001.
gnomAD v4.1: 2 of 1,613,966 alleles (0.00012%); highest among the groups gnomAD compares: Non-Finnish European, 0.00017%; no homozygotes.

Submissions (4):

ClinGen PAH Variant Curation Expert Panel
Classification: Pathogenic for Phenylketonuria. Last evaluated: 2022-10-14. Review status: reviewed by expert panel. Criteria: ClinGen PAH ACMG Specifications v1. Collection method: curation. Allele origin: germline. Inheritance: Autosomal recessive inheritance.
Comment: This c.514C>T (p.Gln172Ter) variant in PAH was detected in multiple patients with PKU with pathogenic variants c.1315+1G>A (PMID:8889590) and p.Ala345Thr (PMID:28754886). This variant was absent in population databases. This was predicted as a null variant in PAH where LOF is a known mechanism of disease. This is a nonsense variant in exon 6 of 13 coding exons predicted to undergo nonsense mediated decay. In summary, this variant meets criteria to be classified as pathogenic for PAH. PAH-specific ACMG/AMP criteria applied: PVS1, PM3, PM2, PP4_moderate.

Women's Health and Genetics/Laboratory Corporation of America, LabCorp
Classification: Pathogenic for Phenylketonuria. Last evaluated: 2022-04-09. Review status: criteria provided, single submitter. Criteria: LabCorp Variant Classification Summary - May 2015. Collection method: clinical testing. Allele origin: germline. Not counted in ClinVar's aggregate classification.
Comment: Variant summary: PAH c.514C>T (p.Gln172X) results in a premature termination codon, predicted to cause a truncation of the encoded protein or absence of the protein due to nonsense mediated decay, which are commonly known mechanisms for disease. The variant was absent in 250994 control chromosomes. c.514C>T has been reported in the literature in individuals affected with Phenylalanine Hydroxylase Deficiency (Phenylketonuria) (example, Guldberg_1996, Zhu_2013). One clinical diagnostic laboratory has submitted clinical-significance assessments for this variant to ClinVar after 2014 and classified the variant as pathogenic. Based on the evidence outlined above, the variant was classified as pathogenic.

Labcorp Genetics (formerly Invitae), Labcorp
Classification: Pathogenic for Phenylketonuria. Last evaluated: 2019-10-16. Review status: criteria provided, single submitter. Criteria: Invitae Variant Classification Sherloc (09022015). Collection method: clinical testing. Allele origin: germline. Not counted in ClinVar's aggregate classification.
Comment: For these reasons, this variant has been classified as Pathogenic. Loss-of-function variants in PAH are known to be pathogenic (PMID: 1301187, 9634518). This variant has been observed in individuals affected with phenylketonuria (PMID: 8889590, 19915519). ClinVar contains an entry for this variant (Variation ID: 102718). This variant is not present in population databases (ExAC no frequency). This sequence change creates a premature translational stop signal (p.Gln172*) in the PAH gene. It is expected to result in an absent or disrupted protein product.

DeBelle Laboratory for Biochemical Genetics, MUHC/MCH RESEARCH INSTITUTE
No classification provided. Review status: no classification provided. Collection method: not provided. Allele origin: not provided. Not counted in ClinVar's aggregate classification.

Literature cited by the submitters: PubMed 23932990 (cited by Women's Health and Genetics/Laboratory Corporation of America, LabCorp); PubMed 8889590 (cited by Women's Health and Genetics/Laboratory Corporation of America, LabCorp and Labcorp Genetics (formerly Invitae), Labcorp); PubMed 1301187 (cited by Labcorp Genetics (formerly Invitae), Labcorp); PubMed 9634518 (cited by Labcorp Genetics (formerly Invitae), Labcorp); PubMed 19915519 (cited by Labcorp Genetics (formerly Invitae), Labcorp).